The following is an entry in ClinVar:

NM_012448.4(STAT5B):c.177G>A (p.Gln59=)

Gene: STAT5B (signal transducer and activator of transcription 5B; minus strand). Cytogenetic location: 17q21.2.
Variant type: single nucleotide variant.
Coding change: c.177G>A on transcript NM_012448.4 (MANE Select); coding-DNA position 177, G replaced by A.
Protein change: p.Gln59=; no amino-acid change (glutamine 59 retained).
Molecular consequence: synonymous variant.
Genome position (GRCh38, 1-based): chr17:42,227,637, C>T on the plus strand (G>A on the coding strand, the complement: STAT5B is on the minus strand). VCF-style: chr17-42227637-C-T. GRCh37 (hg19) VCF-style: chr17-40379655-C-T.
Other names: c.177G>A (NM_012448.3).
Identifiers: ClinVar variation 1122056 (VCV001122056.11), dbSNP rs1049785980, ClinGen allele CA290746927.

ClinVar aggregate classification (germline): Conflicting classifications of pathogenicity. Review status: criteria provided, conflicting classifications (1 of 4 stars). 3 submissions from 3 submitters: Uncertain significance (1); Likely benign (2). Last evaluated 2025-02-05.

Conditions:
Growth hormone insensitivity with immune dysregulation 1, autosomal recessive. Also called: GROWTH HORMONE INSENSITIVITY DUE TO POSTRECEPTOR DEFECT; LARON SYNDROME DUE TO POSTRECEPTOR DEFECT; GROWTH HORMONE INSENSITIVITY SYNDROME WITH IMMUNE DYSREGULATION 1, AUTOSOMAL RECESSIVE; Laron syndrome with immunodeficiency. Identifiers: Orphanet 220465, MedGen C5435698, MONDO:0100211, OMIM 245590.

Allele frequency attached by ClinVar (database versions not stated): gnomAD exomes below 0.00001; gnomAD 0.00002 and 0.00003; TOPMed 0.00009.
gnomAD v4.1: 8 of 1,613,972 alleles (0.0005%); highest among the groups gnomAD compares: African/African-American, 0.0067%; no homozygotes.

Submissions (3):

GeneDx
Classification: Uncertain significance. Last evaluated: 2025-02-05. Review status: criteria provided, single submitter. Criteria: GeneDx Variant Classification Process June 2021. Collection method: clinical testing. Allele origin: germline. Affected: yes.
Comment: Not observed at significant frequency in large population cohorts (gnomAD); In silico analysis indicates that this variant does not alter splicing; Has not been previously published as pathogenic or benign to our knowledge

Labcorp Genetics (formerly Invitae), Labcorp
Classification: Likely benign for Growth hormone insensitivity with immune dysregulation 1, autosomal recessive. Last evaluated: 2024-04-22. Review status: criteria provided, single submitter. Criteria: Invitae Variant Classification Sherloc (09022015). Collection method: clinical testing. Allele origin: germline.

Blueprint Genetics
Classification: Likely benign. Last evaluated: 2023-11-21. Review status: criteria provided, single submitter. Criteria: ACMG Guidelines, 2015. Collection method: clinical testing. Allele origin: germline.